The following is an entry in ClinVar:

NM_177438.3(DICER1):c.1713T>G (p.Ser571Arg)

Gene: DICER1 (dicer 1, ribonuclease III; minus strand). Cytogenetic location: 14q32.13.
Variant type: single nucleotide variant.
Coding change: c.1713T>G on transcript NM_177438.3 (MANE Select); coding-DNA position 1713, T replaced by G.
Protein change: p.Ser571Arg; replaces serine 571 with arginine.
Molecular consequence: missense variant.
Genome position (GRCh38, 1-based): chr14:95,116,492, A>C on the plus strand (T>G on the coding strand, the complement: DICER1 is on the minus strand). VCF-style: chr14-95116492-A-C. GRCh37 (hg19) VCF-style: chr14-95582829-A-C.
Other names: c.1713T>G, p.Ser571Arg (NM_001195573.1, NM_001271282.3, NM_001291628.2 and 1 more transcripts); short protein forms S571R.
Identifiers: ClinVar variation 655709 (VCV000655709.10), dbSNP rs1595410659, ClinGen allele CA390884732.
Genomic context (GRCh38, chr14:95,116,492, plus strand): 5'-ATGTTAATATGTTGATCTTACCTTTTCAATAGCTTTGTAGGTTTTAAGGTCTTCTTCAAA[A>C]CTTTTTATTTTGTCTGTATCCGCTAACATTATATAATTAGAGATGGGTGCCCTTGCTCTT-3'
Protein context (NP_803187.1, residues 561-581): IMLADTDKIK[Ser571Arg]FEEDLKTYKA

ClinVar aggregate classification (germline): Uncertain significance (1 of 4 stars; one submission).

Conditions:
DICER1-related tumor predisposition. Also called: DICER1 syndrome; DICER1-related pleuropulmonary blastoma cancer predisposition syndrome. Identifiers: Orphanet 284343, MedGen C3839822, MONDO:0100216.

Submission:

Labcorp Genetics (formerly Invitae), Labcorp
Classification: Uncertain significance for DICER1-related tumor predisposition. Last evaluated: 2022-05-12. Review status: criteria provided, single submitter. Criteria: Invitae Variant Classification Sherloc (09022015). Collection method: clinical testing. Allele origin: germline.
Comment: RNA analysis performed to evaluate the impact of this missense change on mRNA splicing indicates it does not significantly alter splicing (Invitae). Algorithms developed to predict the effect of missense changes on protein structure and function (SIFT, PolyPhen-2, Align-GVGD) all suggest that this variant is likely to be tolerated. ClinVar contains an entry for this variant (Variation ID: 655709). This variant has not been reported in the literature in individuals affected with DICER1-related conditions. This variant is not present in population databases (gnomAD no frequency). This sequence change replaces serine, which is neutral and polar, with arginine, which is basic and polar, at codon 571 of the DICER1 protein (p.Ser571Arg). In summary, the available evidence is currently insufficient to determine the role of this variant in disease. Therefore, it has been classified as a Variant of Uncertain Significance.